The following is an entry in ClinVar:

NM_000051.4(ATM):c.4789T>G (p.Phe1597Val)

Gene: ATM (ATM serine/threonine kinase; plus strand). Cytogenetic location: 11q22.3.
Variant type: single nucleotide variant.
Coding change: c.4789T>G on transcript NM_000051.4 (MANE Select); coding-DNA position 4789, T replaced by G.
Protein change: p.Phe1597Val; replaces phenylalanine 1597 with valine.
Molecular consequence: missense variant.
Genome position (GRCh38, 1-based): chr11:108,294,939, T>G. VCF-style: chr11-108294939-T-G. GRCh37 (hg19) VCF-style: chr11-108165666-T-G.
Other names: c.4789T>G, p.Phe1597Val (NM_001351834.2); short protein forms F1597V.
Identifiers: ClinVar variation 3221499 (VCV003221499.3), dbSNP rs749004718, ClinGen allele CA382536241.
Genomic context (GRCh38, chr11:108,294,939, plus strand): 5'-CAGGCTTAACCAATACGTGTTAAAAGCAAGTTACATTTTCTCTTTTAGGAAATTAACCAT[T>G]TTCTCTCAGTAAGTGTTTATGATGCACTTCCATTGACAAGACTTGAAGGACTAAAGGATC-3'
Protein context (NP_000042.3, residues 1587-1607): PFSLLEEINH[Phe1597Val]LSVSVYDALP

ClinVar aggregate classification (germline): Uncertain significance. Review status: criteria provided, multiple submitters, no conflicts (2 of 4 stars). 3 submissions from 3 submitters: Uncertain significance (2). 1 of the submissions does not count toward it. Last evaluated 2025-04-24.

Conditions:
Hereditary cancer-predisposing syndrome. Also called: Hereditary Cancer Syndrome; Tumor predisposition; Neoplastic Syndromes, Hereditary; Hereditary neoplastic syndrome. Identifiers: Orphanet 140162, MedGen C0027672, MeSH D009386, MONDO:0015356.
Ataxia-telangiectasia syndrome (AT). Also called: ATAXIA-TELANGIECTASIA, COMPLEMENTATION GROUP A; Ataxia-telangiectasia, complementation group E; Cerebello-oculocutaneous telangiectasia; Immunodeficiency with ataxia telangiectasia; LOUIS-BAR SYNDROME; ATAXIA-TELANGIECTASIA, FRESNO VARIANT. Identifiers: Orphanet 100, MedGen C0004135, MONDO:0008840, OMIM 208900.

Submissions (3):

Labcorp Genetics (formerly Invitae), Labcorp
Classification: Uncertain significance for Ataxia-telangiectasia syndrome. Last evaluated: 2025-04-24. Review status: criteria provided, single submitter. Criteria: Invitae Variant Classification Sherloc (09022015). Collection method: clinical testing. Allele origin: germline.
Comment: This sequence change replaces phenylalanine, which is neutral and non-polar, with valine, which is neutral and non-polar, at codon 1597 of the ATM protein (p.Phe1597Val). This variant is not present in population databases (gnomAD no frequency). This variant has not been reported in the literature in individuals affected with ATM-related conditions. ClinVar contains an entry for this variant (Variation ID: 3221499). Invitae Evidence Modeling of protein sequence and biophysical properties (such as structural, functional, and spatial information, amino acid conservation, physicochemical variation, residue mobility, and thermodynamic stability) has been performed for this missense variant. However, the output from this modeling did not meet the statistical confidence thresholds required to predict the impact of this variant on ATM protein function. In summary, the available evidence is currently insufficient to determine the role of this variant in disease. Therefore, it has been classified as a Variant of Uncertain Significance.

Ambry Genetics
Classification: Uncertain significance for Hereditary cancer-predisposing syndrome. Last evaluated: 2023-12-04. Review status: criteria provided, single submitter. Criteria: Ambry Variant Classification Scheme 2023. Collection method: clinical testing. Allele origin: germline.
Comment: The p.F1597V variant (also known as c.4789T>G), located in coding exon 31 of the ATM gene, results from a T to G substitution at nucleotide position 4789. The phenylalanine at codon 1597 is replaced by valine, an amino acid with highly similar properties. This amino acid position is conserved. In addition, this alteration is predicted to be deleterious by in silico analysis. Since supporting evidence is limited at this time, the clinical significance of this alteration remains unclear.

Natera, Inc.
Classification: Uncertain significance for Ataxia-telangiectasia. Last evaluated: 2025-01-30. Review status: no assertion criteria provided. Collection method: clinical testing. Allele origin: germline. Not counted in ClinVar's aggregate classification.